The following is an entry in ClinVar:

NM_005045.4(RELN):c.1029G>A (p.Trp343Ter)

Gene: RELN (reelin; minus strand). Cytogenetic location: 7q22.1.
Variant type: single nucleotide variant.
Coding change: c.1029G>A on transcript NM_005045.4 (MANE Select); coding-DNA position 1029, G replaced by A.
Protein change: p.Trp343Ter; replaces tryptophan 343 with a stop codon.
Molecular consequence: nonsense.
Genome position (GRCh38, 1-based): chr7:103,697,967, C>T on the plus strand (G>A on the coding strand, the complement: RELN is on the minus strand). VCF-style: chr7-103697967-C-T. GRCh37 (hg19) VCF-style: chr7-103338414-C-T.
Other names: c.1029G>A, p.Trp343Ter (NM_173054.3); short protein forms W343*.
Identifiers: ClinVar variation 5007120 (VCV005007120.2).

ClinVar aggregate classification (germline): Likely pathogenic (1 of 4 stars; one submission).

Conditions:
Familial temporal lobe epilepsy 7. Identifiers: Orphanet 101046, MedGen C4225327, MONDO:0014639, OMIM 616436.
Norman-Roberts syndrome (LIS2). Also called: Lissencephaly 2 (Norman-Roberts type). Identifiers: Orphanet 89844, MedGen C0796089, MONDO:0009760, OMIM 257320.

Submission:

Juno Genomics, Hangzhou Juno Genomics, Inc
Classification: Likely pathogenic for Familial temporal lobe epilepsy 7; Norman-Roberts syndrome. Review status: criteria provided, single submitter. Criteria: ACMG Guidelines, 2015. Collection method: clinical testing. Allele origin: germline.
Comment: Null variant in a gene where loss of function (LOF) is a known mechanism of disease.;Absent from controls (or at extremely low frequency if recessive) in Genome Aggregation Database.